The following is an entry in ClinVar:

ClinVar aggregate classification (germline): Uncertain significance (1 of 4 stars; one submission).

Allele frequency attached by ClinVar (database versions not stated): ExAC 0.00001; gnomAD 0.00001; gnomAD exomes 0.00001; TOPMed 0.00002.
gnomAD v4.1: 10 of 1,613,752 alleles (0.00062%); highest among the groups gnomAD compares: Admixed American, 0.0017%; no homozygotes.

Submission:

Labcorp Genetics (formerly Invitae), Labcorp
Classification: Uncertain significance. Last evaluated: 2022-12-12. Review status: criteria provided, single submitter. Criteria: Invitae Variant Classification Sherloc (09022015). Collection method: clinical testing. Allele origin: germline.
Comment: Algorithms developed to predict the effect of missense changes on protein structure and function are either unavailable or do not agree on the potential impact of this missense change (SIFT: "Deleterious"; PolyPhen-2: "Possibly Damaging"; Align-GVGD: "Class C0"). In summary, the available evidence is currently insufficient to determine the role of this variant in disease. Therefore, it has been classified as a Variant of Uncertain Significance. This variant has not been reported in the literature in individuals affected with NIN-related conditions. This variant is present in population databases (rs753154349, gnomAD 0.003%). This sequence change replaces arginine, which is basic and polar, with glutamine, which is neutral and polar, at codon 413 of the NIN protein (p.Arg413Gln).

NM_020921.4(NIN):c.1238G>A (p.Arg413Gln)

Gene: NIN (ninein; minus strand). Cytogenetic location: 14q22.1.
Variant type: single nucleotide variant.
Coding change: c.1238G>A on transcript NM_020921.4 (MANE Select); coding-DNA position 1238, G replaced by A.
Protein change: p.Arg413Gln; replaces arginine 413 with glutamine.
Molecular consequence: missense variant.
Genome position (GRCh38, 1-based): chr14:50,770,873, C>T on the plus strand (G>A on the coding strand, the complement: NIN is on the minus strand). VCF-style: chr14-50770873-C-T. GRCh37 (hg19) VCF-style: chr14-51237591-C-T.
Other names: c.1238G>A, p.Arg413Gln (NM_016350.5, NM_182944.3, NM_182946.2); short protein forms R413Q.
Identifiers: ClinVar variation 3005327 (VCV003005327.3), dbSNP rs753154349, ClinGen allele CA7182251.
Genomic context (GRCh38, chr14:50,770,873, plus strand): 5'-GGTGGTGGGTGAGGAGGAGCCTCACTCTGCTGGCCTCACCTGAGGTTGTACTCATTCCGC[C>T]GCTCTATGGCCGCATGGTGATCATCCACCTCCGAGGCCATTAAAGACTTGAGCTTCTCGG-3'
Protein context (NP_065972.4, residues 403-423): EVDDHHAAIE[Arg413Gln]RNEYNLRKLD